The following is an entry in ClinVar:

NM_025137.4(SPG11):c.764A>C (p.Lys255Thr)

Gene: SPG11 (SPG11 vesicle trafficking associated, spatacsin; minus strand). Cytogenetic location: 15q21.1.
Variant type: single nucleotide variant.
Coding change: c.764A>C on transcript NM_025137.4 (MANE Select); coding-DNA position 764, A replaced by C.
Protein change: p.Lys255Thr; replaces lysine 255 with threonine.
Molecular consequence: missense variant.
Genome position (GRCh38, 1-based): chr15:44,657,200, T>G on the plus strand (A>C on the coding strand, the complement: SPG11 is on the minus strand). VCF-style: chr15-44657200-T-G. GRCh37 (hg19) VCF-style: chr15-44949398-T-G.
Other names: p.Lys255Thr; c.764A>C, p.Lys255Thr (NM_001160227.2); short protein forms K255T.
Identifiers: ClinVar variation 1019963 (VCV001019963.9), dbSNP rs758601401, ClinGen allele CA7535726.

ClinVar aggregate classification (germline): Uncertain significance. Review status: criteria provided, multiple submitters, no conflicts (2 of 4 stars). 3 submissions from 3 submitters: Uncertain significance (3). Last evaluated 2024-11-09.

Conditions:
Inborn genetic diseases. Identifiers: MedGen C0950123, MeSH D030342.
Hereditary spastic paraplegia 11. Also called: Nakamura Osame syndrome; Autosomal recessive hereditary spastic paraplegia, mental impairment, and thin corpus callosum; Spastic Paraplegia 11; Spastic paraplegia, mental retardation and thin corpus callosum; SPASTIC PARAPLEGIA, AUTOSOMAL RECESSIVE, COMPLICATED, WITH THIN CORPUS CALLOSUM; SPASTIC PARAPLEGIA, AUTOSOMAL RECESSIVE, WITH MENTAL IMPAIRMENT AND THIN CORPUS CALLOSUM. Identifiers: Orphanet 2822, MedGen C1858479, MONDO:0011445, OMIM 604360.

Allele frequency attached by ClinVar (database versions not stated): gnomAD exomes below 0.00001; ExAC 0.00001; gnomAD 0.00001; TOPMed 0.00001.
gnomAD v4.1: 9 of 1,614,080 alleles (0.00056%); highest among the groups gnomAD compares: Non-Finnish European, 0.00076%; no homozygotes.

Submissions (3):

Ambry Genetics
Classification: Uncertain significance for Inborn genetic diseases. Last evaluated: 2024-11-09. Review status: criteria provided, single submitter. Criteria: Ambry Variant Classification Scheme 2023. Collection method: clinical testing. Allele origin: germline.

Mayo Clinic Laboratories, Mayo Clinic
Classification: Uncertain significance. Last evaluated: 2024-05-02. Review status: criteria provided, single submitter. Criteria: ACMG Guidelines, 2015. Collection method: clinical testing. Allele origin: germline. Observed: 1 variant allele.
Comment: BP4, PM2

Labcorp Genetics (formerly Invitae), Labcorp
Classification: Uncertain significance for Hereditary spastic paraplegia 11. Last evaluated: 2021-08-20. Review status: criteria provided, single submitter. Criteria: Invitae Variant Classification Sherloc (09022015). Collection method: clinical testing. Allele origin: germline.
Comment: This sequence change replaces lysine with threonine at codon 255 of the SPG11 protein (p.Lys255Thr). The lysine residue is moderately conserved and there is a moderate physicochemical difference between lysine and threonine. This variant is present in population databases (rs758601401, ExAC 0.001%). This variant has not been reported in the literature in individuals affected with SPG11-related conditions. Algorithms developed to predict the effect of missense changes on protein structure and function output the following: SIFT: "Tolerated"; PolyPhen-2: "Benign"; Align-GVGD: "Class C0". The threonine amino acid residue is found in multiple mammalian species, which suggests that this missense change does not adversely affect protein function. In summary, the available evidence is currently insufficient to determine the role of this variant in disease. Therefore, it has been classified as a Variant of Uncertain Significance.